The following is an entry in ClinVar:

ClinVar aggregate classification (germline): Uncertain significance (1 of 4 stars; one submission).

Conditions:
KDM2B-related disorder. Also called: KDM2B-related condition.

Allele frequency attached by ClinVar (database versions not stated): ExAC 0.00001; TOPMed 0.00001.
gnomAD v4.1: 6 of 1,613,470 alleles (0.00037%); highest among the groups gnomAD compares: Middle Eastern, 0.066%; no homozygotes.

Submission:

PreventionGenetics, part of Exact Sciences
Classification: Uncertain significance for KDM2B-related condition. Last evaluated: 2025-03-25. Review status: criteria provided, single submitter. Criteria: ACMG Guidelines, 2015. Collection method: clinical testing. Allele origin: germline.
Comment: The KDM2B c.2342A>G variant is predicted to result in the amino acid substitution p.His781Arg. To our knowledge, this variant has not been reported in the literature. This variant is reported in 2 alleles out of 248,866 alleles in gnomAD. At this time, the clinical significance of this variant is uncertain due to the absence of conclusive functional and genetic evidence.

NM_032590.5(KDM2B):c.2342A>G (p.His781Arg)

Gene: KDM2B (lysine demethylase 2B; minus strand). Cytogenetic location: 12q24.31.
Variant type: single nucleotide variant.
Coding change: c.2342A>G on transcript NM_032590.5 (MANE Select); coding-DNA position 2342, A replaced by G.
Protein change: p.His781Arg; replaces histidine 781 with arginine.
Molecular consequence: missense variant.
Genome position (GRCh38, 1-based): chr12:121,444,121, T>C on the plus strand (A>G on the coding strand, the complement: KDM2B is on the minus strand). VCF-style: chr12-121444121-T-C. GRCh37 (hg19) VCF-style: chr12-121881924-T-C.
Other names: c.2249A>G, p.His750Arg (NM_001005366.2); short protein forms H750R, H781R.
Identifiers: ClinVar variation 2629803 (VCV002629803.2), dbSNP rs782779077, ClinGen allele CA6836594.
Genomic context (GRCh38, chr12:121,444,121, plus strand): 5'-CTCAGGTGCACGTCGTCAGACTTTCTGCGCAGAAGGCCGTCCGGCGGCACCTTCTTCGAG[T>C]GCTCATCCGACCTGCGCCGGGGCGCCTCCTCACACTCACTCCTCCGCTTGGCAGGTTCCT-3'
Protein context (NP_115979.3, residues 771-791): EEAPRRRSDE[His781Arg]SKKVPPDGLL